The following is an entry in ClinVar:

ClinVar aggregate classification (germline): Conflicting classifications of pathogenicity. Review status: criteria provided, conflicting classifications (1 of 4 stars). 2 submissions from 2 submitters: Pathogenic (1); Uncertain significance (1). Last evaluated 2023-11-18.

Conditions:
Thrombocytopenia 2 (THC2). Also called: ANKRD26-Related Thrombocytopenia. Identifiers: Orphanet 268322, MedGen C1861185, MONDO:0008555, OMIM 188000.

Submissions (2):

Labcorp Genetics (formerly Invitae), Labcorp
Classification: Pathogenic. Last evaluated: 2023-11-18. Review status: criteria provided, single submitter. Criteria: Invitae Variant Classification Sherloc (09022015). Collection method: clinical testing. Allele origin: germline.
Comment: This variant occurs in a non-coding region of the ANKRD26 gene. It does not change the encoded amino acid sequence of the ANKRD26 protein. This variant is not present in population databases (gnomAD no frequency). This variant has been observed in individual(s) with thrombocytopenia (PMID: 28100250, 32659145; Invitae). It has also been observed to segregate with disease in related individuals. ClinVar contains an entry for this variant (Variation ID: 1703808). For these reasons, this variant has been classified as Pathogenic.

ISTH-SSC Genomics in Thrombosis and Hemostasis, KU Leuven, Center for Molecular and Vascular Biology
Classification: Uncertain significance for Thrombocytopenia 2. Review status: criteria provided, single submitter. Criteria: ACMG Guidelines, 2015. Collection method: clinical testing. Allele origin: germline. Affected: yes. Observed: 1 heterozygote.
Comment: Submitted to GoldVariant by Jose María Bastida and José Rivera; Grupo Español de Alteraciones Plaquetarias Congénitas (GEAPC)

Literature cited by the submitters: PubMed 28100250 (cited by Labcorp Genetics (formerly Invitae), Labcorp); PubMed 32659145 (cited by Labcorp Genetics (formerly Invitae), Labcorp); PubMed 29545013 (cited by ISTH-SSC Genomics in Thrombosis and Hemostasis, KU Leuven, Center for Molecular and Vascular Biology).

NM_014915.3(ANKRD26):c.-125T>G

Gene: ANKRD26 (ankyrin repeat domain 26; minus strand). Cytogenetic location: 10p12.1.
Variant type: single nucleotide variant.
Coding change: c.-125T>G on transcript NM_014915.3 (MANE Select); 125 bases upstream of the start codon, T replaced by G.
Molecular consequence: 5 prime UTR variant.
Genome position (GRCh38, 1-based): chr10:27,100,451, A>C on the plus strand (T>G on the coding strand, the complement: ANKRD26 is on the minus strand). VCF-style: chr10-27100451-A-C. GRCh37 (hg19) VCF-style: chr10-27389380-A-C.
Other names: c.-125T>G (NM_001256053.2).
Identifiers: ClinVar variation 1703808 (VCV001703808.5), dbSNP rs1589393785, ClinGen allele CA913185909.